The following is an entry in ClinVar:

ClinVar aggregate classification (germline): Pathogenic/Likely pathogenic. Review status: criteria provided, multiple submitters, no conflicts (2 of 4 stars). 3 submissions from 3 submitters: Pathogenic (1); Likely pathogenic (1). 1 of the submissions does not count toward it. Last evaluated 2024-02-26.

Conditions:
Pyruvate dehydrogenase E1-alpha deficiency (PDHAD). Also called: ATAXIA, INTERMITTENT, WITH PYRUVATE DEHYDROGENASE DEFICIENCY; ATAXIA WITH LACTIC ACIDOSIS I; ATAXIA, INTERMITTENT, WITH ABNORMAL PYRUVATE METABOLISM; Ataxia, intermittent, with pyruvate dehydrogenase, or decarboxylase, deficiency. Identifiers: Orphanet 79243, MedGen C1839413, MONDO:0010717, OMIM 312170.

Submissions (3):

3billion
Classification: Likely pathogenic for Pyruvate dehydrogenase E1-alpha deficiency. Last evaluated: 2024-02-26. Review status: criteria provided, single submitter. Criteria: ACMG Guidelines, 2015. Collection method: clinical testing. Allele origin: germline. Affected: yes.
Comment: The variant is not observed in the gnomAD v2.1.1 dataset. Predicted Consequence/Location: The variant is located in a mutational hot spot and/or well-established functional domain in which established pathogenic variants have been reported. In silico tool predictions suggest damaging effect of the variant on gene or gene product [REVEL: 0.98 (>=0.6, sensitivity 0.68 and specificity 0.92); 3Cnet: 0.97 (>=0.6, sensitivity 0.72 and precision 0.9)]. Same nucleotide change resulting in same amino acid change has been previously reported to be associated with PDHA1 related disorder (ClinVar ID: VCV000935969 /PMID: 28918066).Different missense changes at the same codon (p.Arg288His, p.Arg288Ser) have been reported as pathogenic/likely pathogenic with strong evidence (ClinVar ID: VCV000010890 /PMID: 10486093, 26633542). Therefore, this variant is classified as Likely pathogenic according to the recommendation of ACMG/AMP guideline.

Labcorp Genetics (formerly Invitae), Labcorp
Classification: Pathogenic for Pyruvate dehydrogenase E1-alpha deficiency. Last evaluated: 2019-10-25. Review status: criteria provided, single submitter. Criteria: Invitae Variant Classification Sherloc (09022015). Collection method: clinical testing. Allele origin: germline.
Comment: For these reasons, this variant has been classified as Pathogenic. This variant disrupts the p.Arg288 amino acid residue in PDHA1. Other variant(s) that disrupt this residue have been observed in individuals with PDHA1-related conditions (PMID: 10486093, 26633542), which suggests that this may be a clinically significant amino acid residue. Algorithms developed to predict the effect of missense changes on protein structure and function are either unavailable or do not agree on the potential impact of this missense change (SIFT: "Deleterious"; PolyPhen-2: "Probably Damaging"; Align-GVGD: "Class C0"). This variant has been observed in individuals affected with pyruvate dehydrogenase E1-alpha (PDHE1α) deficiency (PMID: 28918066, Invitae). In at least one individual the variant was observed to be de novo. This variant is not present in population databases (ExAC no frequency). This sequence change replaces arginine with cysteine at codon 288 of the PDHA1 protein (p.Arg288Cys). The arginine residue is highly conserved and there is a large physicochemical difference between arginine and cysteine.

PDHA1 Study Group, University Children’s Hospital, Paracelsus Medical University
Classification: Pathogenic for Pyruvate dehydrogenase E1-alpha deficiency. Last evaluated: 2024-10-15. Review status: no assertion criteria provided. Collection method: research. Allele origin: de novo. Affected: yes. Observed: 3 variant alleles. Not counted in ClinVar's aggregate classification.
Comment: The NM_000284.3:c.862C>T (p.Arg288Cys) substitution is a missense variant in PDHA1 gene. In total, 3 individuals were diagnosed with PDHA1-related Pyruvate dehydrogenase complex (PDHc) deficiency (MIM #312170). Among them, 1 case had confirmed de novo occurrence. The variant has been reported in 1 published case (PMIDs: 28918066, 23021068). Additional 2 unpublished cases from internal data are included. Last literature search: July 12, 2024. This variant is absent or extremely rare in population-based cohorts in the Genome Aggregation Database (gnomAD). Individuals harboring this variant presented with clinical features compatible with PDHA1-related PDHc deficiency. In summary, this variant meets criteria to be classified as pathogenic (P) for PDHA1-related PDHc deficiency based on the ACMG/AMP criteria applied: PS3, PM1, PM2, PM7, PP3 (last assessment October 15, 2024).

Literature cited by the submitters: PubMed 28918066 (cited by 3 submitters); PubMed 10486093 (cited by 3billion and Labcorp Genetics (formerly Invitae), Labcorp); PubMed 26633542 (cited by Labcorp Genetics (formerly Invitae), Labcorp); PubMed 23021068 (cited by PDHA1 Study Group, University Children’s Hospital, Paracelsus Medical University); DOI 10.1093/brain/awaf430 (cited by PDHA1 Study Group, University Children’s Hospital, Paracelsus Medical University).

NM_000284.4(PDHA1):c.862C>T (p.Arg288Cys)

Gene: PDHA1 (pyruvate dehydrogenase E1 subunit alpha 1; plus strand). Cytogenetic location: Xp22.12.
Variant type: single nucleotide variant.
Coding change: c.862C>T on transcript NM_000284.4 (MANE Select); coding-DNA position 862, C replaced by T.
Protein change: p.Arg288Cys; replaces arginine 288 with cysteine.
Molecular consequence: missense variant.
Genome position (GRCh38, 1-based): chrX:19,357,682, C>T. VCF-style: chrX-19357682-C-T. GRCh37 (hg19) VCF-style: chrX-19375800-C-T.
Other names: c.976C>T, p.Arg326Cys (NM_001173454.2); c.883C>T, p.Arg295Cys (NM_001173455.2); c.769C>T, p.Arg257Cys (NM_001173456.2); short protein forms R257C, R295C, R288C, R326C.
Identifiers: ClinVar variation 935969 (VCV000935969.11), dbSNP rs2063213272, ClinGen allele CA412395201.